The following is an entry in ClinVar:

NM_025193.4(HSD3B7):c.1047G>C (p.Ser349=)

Gene: HSD3B7 (hydroxy-delta-5-steroid dehydrogenase, 3 beta- and steroid delta-isomerase 7; plus strand). Cytogenetic location: 16p11.2.
Variant type: single nucleotide variant.
Coding change: c.1047G>C on transcript NM_025193.4 (MANE Select); coding-DNA position 1047, G replaced by C.
Protein change: p.Ser349=; no amino-acid change (serine 349 retained).
Molecular consequence: synonymous variant. On other transcripts: 3 prime UTR variant (2).
Genome position (GRCh38, 1-based): chr16:30,988,120, G>C. VCF-style: chr16-30988120-G-C. GRCh37 (hg19) VCF-style: chr16-30999441-G-C.
Other names: c.*293G>C (NM_001142777.2, NM_001142778.2).
Identifiers: ClinVar variation 597228 (VCV000597228.13), dbSNP rs746926891, ClinGen allele CA8018169.

ClinVar aggregate classification (germline): Conflicting classifications of pathogenicity. Review status: criteria provided, conflicting classifications (1 of 4 stars). 3 submissions from 3 submitters: Uncertain significance (1); Likely benign (1). 1 of the submissions does not count toward it. Last evaluated 2024-07-31.

Conditions:
HSD3B7-related disorder. Also called: HSD3B7-related condition.

Allele frequency attached by ClinVar (database versions not stated): gnomAD 0.00007; TOPMed 0.00008.
gnomAD v4.1: 24 of 1,606,382 alleles (0.0015%); highest among the groups gnomAD compares: African/African-American, 0.029%; no homozygotes.

Submissions (3):

Labcorp Genetics (formerly Invitae), Labcorp
Classification: Likely benign. Last evaluated: 2024-07-31. Review status: criteria provided, single submitter. Criteria: Invitae Variant Classification Sherloc (09022015). Collection method: clinical testing. Allele origin: germline.

Eurofins Ntd Llc (ga)
Classification: Uncertain significance. Last evaluated: 2018-06-01. Review status: criteria provided, single submitter. Criteria: EGL ClinVar v180209 classification definitions. Collection method: clinical testing. Allele origin: germline. Observed: 1 variant allele, 1 heterozygote.

PreventionGenetics, part of Exact Sciences
Classification: Likely benign for HSD3B7-related condition. Last evaluated: 2023-01-18. Review status: no assertion criteria provided. Collection method: clinical testing. Allele origin: germline. Not counted in ClinVar's aggregate classification.
Comment: This variant is classified as likely benign based on ACMG/AMP sequence variant interpretation guidelines (Richards et al. 2015 PMID: 25741868, with internal and published modifications).